The following is an entry in ClinVar:

NM_005477.3(HCN4):c.236G>A (p.Gly79Glu)

Gene: HCN4 (hyperpolarization activated cyclic nucleotide gated potassium channel 4; minus strand). Cytogenetic location: 15q24.1.
Variant type: single nucleotide variant.
Coding change: c.236G>A on transcript NM_005477.3 (MANE Select); coding-DNA position 236, G replaced by A.
Protein change: p.Gly79Glu; replaces glycine 79 with glutamic acid.
Molecular consequence: missense variant.
Genome position (GRCh38, 1-based): chr15:73,368,035, C>T on the plus strand (G>A on the coding strand, the complement: HCN4 is on the minus strand). VCF-style: chr15-73368035-C-T. GRCh37 (hg19) VCF-style: chr15-73660376-C-T.
Other names: short protein forms G79E.
Identifiers: ClinVar variation 4764172 (VCV004764172.1).
Genomic context (GRCh38, chr15:73,368,035, plus strand): 5'-CTCCCGCGGAAGCGCCTGCAGTCGCCGTTCGTGCTGGACTTGCCCGCGCCGCGGGCCGGC[C>T]CTTCGCTGTCCGCTGCCCCGAGGGCCGAGCTCCGGGACTCCGTGCCACCCGCGGCCGCCG-3'
Protein context (NP_005468.1, residues 69-89): SSALGAADSE[Gly79Glu]PARGAGKSST

ClinVar aggregate classification (germline): Uncertain significance (1 of 4 stars; one submission).

Conditions:
Brugada syndrome 8 (BRGDA8). Identifiers: Orphanet 130, MedGen C2751083, MONDO:0013148, OMIM 613123.

gnomAD v4.1: 3 of 1,450,958 alleles (0.00021%); highest among the groups gnomAD compares: African/African-American, 0.003%; no homozygotes.

Submission:

Labcorp Genetics (formerly Invitae), Labcorp
Classification: Uncertain significance for Brugada syndrome 8. Last evaluated: 2025-11-28. Review status: criteria provided, single submitter. Criteria: Invitae Variant Classification Sherloc (09022015). Collection method: clinical testing. Allele origin: germline.
Comment: This sequence change replaces glycine, which is neutral and non-polar, with glutamic acid, which is acidic and polar, at codon 79 of the HCN4 protein (p.Gly79Glu). This variant is not present in population databases (gnomAD no frequency). This variant has not been reported in the literature in individuals affected with HCN4-related conditions. Invitae Evidence Modeling of protein sequence and biophysical properties (such as structural, functional, and spatial information, amino acid conservation, physicochemical variation, residue mobility, and thermodynamic stability) indicates that this missense variant is not expected to disrupt HCN4 protein function with a negative predictive value of 95%. In summary, the available evidence is currently insufficient to determine the role of this variant in disease. Therefore, it has been classified as a Variant of Uncertain Significance.